The following is an entry in ClinVar:

NM_001035.3(RYR2):c.11039+13G>T

Gene: RYR2 (ryanodine receptor 2; plus strand). Cytogenetic location: 1q43.
Variant type: single nucleotide variant.
Coding change: c.11039+13G>T on transcript NM_001035.3 (MANE Select); 13 bases into the intron after coding-DNA position 11039, G replaced by T.
Molecular consequence: intron variant.
Genome position (GRCh38, 1-based): chr1:237,732,162, G>T. VCF-style: chr1-237732162-G-T. GRCh37 (hg19) VCF-style: chr1-237895462-G-T.
Identifiers: ClinVar variation 179466 (VCV000179466.14), dbSNP rs727504882, ClinGen allele CA006837.

ClinVar aggregate classification (germline): Likely benign. Review status: criteria provided, multiple submitters, no conflicts (2 of 4 stars). 2 submissions from 2 submitters: Likely benign (2). Last evaluated 2023-05-30.

Conditions:
Catecholaminergic polymorphic ventricular tachycardia 1. Also called: RYR2-Related Catecholaminergic Polymorphic Ventricular Tachycardia; VENTRICULAR TACHYCARDIA, STRESS-INDUCED POLYMORPHIC 1; VENTRICULAR TACHYCARDIA, CATECHOLAMINERGIC POLYMORPHIC, 1, WITH OR WITHOUT ATRIAL DYSFUNCTION AND/OR DILATED CARDIOMYOPATHY. Identifiers: Orphanet 3286, MedGen C1631597, MONDO:0011484, OMIM 604772.

Allele frequency attached by ClinVar (database versions not stated): ExAC 0.00001; gnomAD exomes 0.00001.
gnomAD v4.1: 1 of 1,545,098 alleles (0.000065%); highest among the groups gnomAD compares: East Asian, 0.0022%; no homozygotes.

Submissions (2):

Labcorp Genetics (formerly Invitae), Labcorp
Classification: Likely benign for Catecholaminergic polymorphic ventricular tachycardia 1. Last evaluated: 2023-05-30. Review status: criteria provided, single submitter. Criteria: Invitae Variant Classification Sherloc (09022015). Collection method: clinical testing. Allele origin: germline.

Laboratory for Molecular Medicine, Mass General Brigham Personalized Medicine
Classification: Likely benign. Last evaluated: 2013-12-05. Review status: criteria provided, single submitter. Criteria: LMM Criteria. Collection method: clinical testing. Allele origin: germline. Observed: 1 variant allele.
Comment: 11039+13G>T in intron 78 of RYR2: This variant is not expected to have clinical significance because it is not located within the splice consensus sequence. 1 1039+13G>T in intron 78 of RYR2 (allele frequency = n/a)